The following is an entry in ClinVar:

NM_033380.3(COL4A5):c.1587+6T>G

Gene: COL4A5 (collagen type IV alpha 5 chain; plus strand). Cytogenetic location: Xq22.3.
Variant type: single nucleotide variant.
Coding change: c.1587+6T>G on transcript NM_033380.3 (MANE Select); 6 bases into the intron after coding-DNA position 1587, T replaced by G.
Molecular consequence: intron variant.
Genome position (GRCh38, 1-based): chrX:108,597,074, T>G. VCF-style: chrX-108597074-T-G. GRCh37 (hg19) VCF-style: chrX-107840304-T-G.
Other names: c.1587+6T>G (NM_000495.5).
Identifiers: ClinVar variation 4813578 (VCV004813578.1).

ClinVar aggregate classification (germline): Pathogenic (1 of 4 stars; one submission).

Conditions:
X-linked Alport syndrome (ATS1). Also called: NEPHROPATHY AND DEAFNESS, X-LINKED; COL4A5-Related Nephropathy. Identifiers: Orphanet 63, Orphanet 88917, MedGen C4746986, MONDO:0010520, OMIM 301050.

Submission:

Mendelics
Classification: Pathogenic for X-linked Alport syndrome. Last evaluated: 2026-03-05. Review status: criteria provided, single submitter. Criteria: ACMG Guidelines, 2015. Collection method: clinical testing. Allele origin: unknown.
Comment: Likely pathogenic/Pathogenic according to ACMG criteria.